The following is an entry in ClinVar:

ClinVar aggregate classification (germline): Uncertain significance (1 of 4 stars; one submission).

Submission:

GeneDx
Classification: Uncertain significance. Last evaluated: 2026-02-03. Review status: criteria provided, single submitter. Criteria: GeneDx Variant Classification Process June 2021. Collection method: clinical testing. Allele origin: germline.
Comment: Not observed at significant frequency in large population cohorts (gnomAD); In silico analysis supports that this missense variant has a deleterious effect on protein structure/function; Has not been previously published as pathogenic or benign to our knowledge

NM_005883.3(APC2):c.3212G>T (p.Ser1071Ile)

Gene: APC2 (APC regulator of Wnt signaling pathway 2; plus strand). Cytogenetic location: 19p13.3.
Variant type: single nucleotide variant.
Coding change: c.3212G>T on transcript NM_005883.3 (MANE Select); coding-DNA position 3212, G replaced by T.
Protein change: p.Ser1071Ile; replaces serine 1071 with isoleucine.
Molecular consequence: missense variant.
Genome position (GRCh38, 1-based): chr19:1,466,513, G>T. VCF-style: chr19-1466513-G-T. GRCh37 (hg19) VCF-style: chr19-1466512-G-T.
Other names: c.3209G>T, p.Ser1070Ile (NM_001351273.1); short protein forms S1070I, S1071I.
Identifiers: ClinVar variation 4539912 (VCV004539912.2).